The following is an entry in ClinVar:

ClinVar aggregate classification (germline): Uncertain significance (1 of 4 stars; one submission).

Submission:

GeneDx
Classification: Uncertain significance. Last evaluated: 2026-07-21. Review status: criteria provided, single submitter. Criteria: GeneDx Variant Classification Process June 2021. Collection method: clinical testing. Allele origin: germline.
Comment: Not observed at significant frequency in large population cohorts (gnomAD); In silico analysis suggests that this missense variant does not alter protein structure/function; Has not been previously published as pathogenic or benign to our knowledge

NM_014727.3(KMT2B):c.946A>G (p.Met316Val)

Gene: KMT2B (lysine methyltransferase 2B; plus strand). Cytogenetic location: 19q13.12.
Variant type: single nucleotide variant.
Coding change: c.946A>G on transcript NM_014727.3 (MANE Select); coding-DNA position 946, A replaced by G.
Protein change: p.Met316Val; replaces methionine 316 with valine.
Molecular consequence: missense variant.
Genome position (GRCh38, 1-based): chr19:35,720,293, A>G. VCF-style: chr19-35720293-A-G. GRCh37 (hg19) VCF-style: chr19-36211195-A-G.
Other names: short protein forms M316V.
Identifiers: ClinVar variation 3375813 (VCV003375813.2).
Genomic context (GRCh38, chr19:35,720,293, plus strand): 5'-GGCCGAGGTGGTGGGCTCCCCTTTGTGATCAAGTTTGTTTCAAGGGCCAAAAAAGTAAAG[A>G]TGGGACAATTGTCCTTGGGACTCGAATCAGGTCAAGGTCAAGGTCAACATGAGGAAAGTT-3'
Protein context (NP_055542.1, residues 306-326): KFVSRAKKVK[Met316Val]GQLSLGLESG